The following is an entry in ClinVar:

ClinVar aggregate classification (germline): Pathogenic/Likely pathogenic. Review status: criteria provided, multiple submitters, no conflicts (2 of 4 stars). 3 submissions from 3 submitters: Pathogenic (1); Likely pathogenic (2). Last evaluated 2025-08-19.

Conditions:
Muscular dystrophy, limb-girdle, autosomal dominant 4. Also called: MUSCULAR DYSTROPHY, LIMB-GIRDLE, TYPE 1I; Calpain-3-related limb-girdle muscular dystrophy D4. Identifiers: Orphanet 565909, MedGen C4748295, MONDO:0029133, OMIM 618129.
Autosomal recessive limb-girdle muscular dystrophy type 2A (LGMDR1). Also called: LEYDEN-MOEBIUS MUSCULAR DYSTROPHY; MUSCULAR DYSTROPHY, PELVOFEMORAL; Limb-girdle muscular dystrophy, type 2A; Calpainopathy; Muscular dystrophy, limb-girdle, type 2A, Amish. Identifiers: Orphanet 267, MedGen C1869123, MONDO:0009675, OMIM 253600. Disease mechanism: loss of function.

Allele frequency attached by ClinVar (database versions not stated): gnomAD exomes below 0.00001.

Submissions (3):

Natera, Inc.
Classification: Likely pathogenic for Limb-girdle muscular dystrophy type 2A. Last evaluated: 2025-08-19. Review status: criteria provided, single submitter. Criteria: Natera Variant Classification Schema (03/2026). Collection method: clinical testing. Allele origin: germline.
Comment: The c.433del variant in CAPN3 is a frameshift variant predicted to shift the reading frame beginning at codon 145 and leads to a stop codon 34 codons downstream. This variant is expected to result in nonsense mediated decay, truncation, or a dysfunctional protein product. This variant is rare in the general population with a frequency below the threshold expected for the associated phenotype(s). Given the available evidence, this variant is classified as Likely Pathogenic.

Fulgent Genetics
Classification: Likely pathogenic for Autosomal recessive limb-girdle muscular dystrophy type 2A; Muscular dystrophy, limb-girdle, autosomal dominant 4. Last evaluated: 2024-05-07. Review status: criteria provided, single submitter. Criteria: ACMG Guidelines, 2015. Collection method: clinical testing. Allele origin: germline.

Labcorp Genetics (formerly Invitae), Labcorp
Classification: Pathogenic for Autosomal recessive limb-girdle muscular dystrophy type 2A. Last evaluated: 2023-07-17. Review status: criteria provided, single submitter. Criteria: Invitae Variant Classification Sherloc (09022015). Collection method: clinical testing. Allele origin: germline.
Comment: ClinVar contains an entry for this variant (Variation ID: 1068777). For these reasons, this variant has been classified as Pathogenic. This variant has not been reported in the literature in individuals affected with CAPN3-related conditions. This variant is not present in population databases (gnomAD no frequency). This sequence change creates a premature translational stop signal (p.Leu145Phefs*34) in the CAPN3 gene. It is expected to result in an absent or disrupted protein product. Loss-of-function variants in CAPN3 are known to be pathogenic (PMID: 10330340, 15689361).

Literature cited by the submitters: PubMed 10330340 (cited by Labcorp Genetics (formerly Invitae), Labcorp); PubMed 15689361 (cited by Labcorp Genetics (formerly Invitae), Labcorp).

NM_000070.3(CAPN3):c.433del (p.Leu145fs)

Genes: CAPN3 (calpain 3; plus strand), LOC126862115 (BRD4-independent group 4 enhancer GRCh37_chr15:42677734-42678933; plus strand). Cytogenetic location: 15q15.1.
Variant type: Deletion.
Coding change: c.433del on transcript NM_000070.3 (MANE Select); coding-DNA position 433, one base deleted (C; older notation c.433delC).
Protein change: p.Leu145fs; shifts the reading frame from leucine 145.
Molecular consequence: frameshift variant.
Genome position (GRCh38, 1-based): chr15:42,386,220, C deleted. VCF-style (leftmost placement, unchanged base first): chr15-42386219-TC-T. GRCh37 (hg19) VCF-style: chr15-42678417-TC-T.
Other names: c.433del, p.Leu145fs (NM_024344.2, NM_173087.2); c.433del (NM_000070.2); short protein forms L145fs.
Identifiers: ClinVar variation 1068777 (VCV001068777.9), dbSNP rs2141160577, ClinGen allele CA2499222922.
Genomic context (GRCh38, chr15:42,386,219, plus strand): 5'-GCCTGCAGGGGACTGCTGGTTTCTCGCAGCCATTGCCTGCCTGACCCTGAACCAGCACCT[TC>T]TTTTCCGAGTCATACCCCATGATCAAAGTTTCATCGAAAACTACGCAGGGATCTTCCACT-3'